The following is an entry in ClinVar:

NM_004517.4(ILK):c.857-12G>A

Genes: ILK (integrin linked kinase; plus strand), TAF10 (TATA-box binding protein associated factor 10; minus strand). Cytogenetic location: 11p15.4.
Variant type: single nucleotide variant.
Coding change: c.857-12G>A on transcript NM_004517.4 (MANE Select); 12 bases into the intron before coding-DNA position 857, G replaced by A.
Molecular consequence: intron variant. On other transcripts: 3 prime UTR variant (1).
Genome position (GRCh38, 1-based): chr11:6,609,712, G>A. VCF-style: chr11-6609712-G-A. GRCh37 (hg19) VCF-style: chr11-6630943-G-A.
Other names: c.*1210C>T (NM_006284.4); c.857-12G>A (NM_001014795.3, NM_001014794.3); c.674-12G>A (NM_001278441.2); c.455-12G>A (NM_001278442.2).
Identifiers: ClinVar variation 227445 (VCV000227445.14), dbSNP rs145172848, ClinGen allele CA5858210.
Genomic context (GRCh38, chr11:6,609,712, plus strand): 5'-GTTGAATTTCCTTGGGGAGGAAATGGCAGAGAGGGAGCCTCTCTGAACTATTTGACTTTT[G>A]CCTCCTCTCAGATTTCGTCGTGGACCAGAGCCAGGCTGTGAAGTTTGCTTTGGACATGGC-3'

ClinVar aggregate classification (germline): Benign/Likely benign. Review status: criteria provided, multiple submitters, no conflicts (2 of 4 stars). 5 submissions from 5 submitters: Benign (2); Likely benign (3). Last evaluated 2026-01-31.

Conditions:
Primary familial hypertrophic cardiomyopathy (HCM). Identifiers: Orphanet 99739, MedGen C0949658, MeSH D024741, MONDO:0024573. Inheritance: Various modes of inheritance.

Allele frequency attached by ClinVar (database versions not stated): gnomAD exomes 0.00016 and 0.00041; ExAC 0.00048; ESP Exome Variant Server 0.00100; gnomAD 0.00145 and 0.00146; TOPMed 0.00167; 1000 Genomes Project 30x 0.00281; 1000 Genomes Project 0.00300.

Submissions (5):

Labcorp Genetics (formerly Invitae), Labcorp
Classification: Benign for Primary familial hypertrophic cardiomyopathy. Last evaluated: 2026-01-31. Review status: criteria provided, single submitter. Criteria: Invitae Variant Classification Sherloc (09022015). Collection method: clinical testing. Allele origin: germline.

Blueprint Genetics
Classification: Likely benign. Last evaluated: 2024-09-13. Review status: criteria provided, single submitter. Criteria: ACMG Guidelines, 2015. Collection method: clinical testing. Allele origin: germline.

GeneDx
Classification: Benign. Last evaluated: 2015-08-27. Review status: criteria provided, single submitter. Criteria: GeneDx Variant Classification (06012015). Collection method: clinical testing. Allele origin: germline. Affected: yes.
Comment: This variant is considered likely benign or benign based on one or more of the following criteria: it is a conservative change, it occurs at a poorly conserved position in the protein, it is predicted to be benign by multiple in silico algorithms, and/or has population frequency not consistent with disease.

Laboratory for Molecular Medicine, Mass General Brigham Personalized Medicine
Classification: Likely benign. Last evaluated: 2015-04-13. Review status: criteria provided, single submitter. Criteria: LMM Criteria. Collection method: clinical testing. Allele origin: germline. Observed: 2 variant alleles.
Comment: c.857-12G>A in intron 10 of ILK: This variant is not expected to have clinical s ignificance because it has been identified in 0.5% (54/10402) of African chromos omes by the Exome Aggregation Consortium (ExAC; dbSNP rs145172848).

Breakthrough Genomics
Classification: Likely benign. Review status: criteria provided, single submitter. Criteria: ACMG Guidelines, 2015. Collection method: not provided. Allele origin: germline. Inheritance: Unknown mechanism. Affected: yes.